The following is an entry in ClinVar:

NM_021625.5(TRPV4):c.465T>C (p.Phe155=)

Gene: TRPV4 (transient receptor potential cation channel subfamily V member 4; minus strand). Cytogenetic location: 12q24.11.
Variant type: single nucleotide variant.
Coding change: c.465T>C on transcript NM_021625.5 (MANE Select); coding-DNA position 465, T replaced by C.
Protein change: p.Phe155=; no amino-acid change (phenylalanine 155 retained).
Molecular consequence: synonymous variant.
Genome position (GRCh38, 1-based): chr12:109,808,390, A>G on the plus strand (T>C on the coding strand, the complement: TRPV4 is on the minus strand). VCF-style: chr12-109808390-A-G. GRCh37 (hg19) VCF-style: chr12-110246195-A-G.
Other names: c.465T>C, p.Phe155= (NM_001177428.2, NM_001177433.2, NM_147204.3); c.363T>C, p.Phe121= (NM_001177431.2).
Identifiers: ClinVar variation 1149383 (VCV001149383.32), dbSNP rs776500475, ClinGen allele CA6780536.

ClinVar aggregate classification (germline): Likely benign. Review status: criteria provided, multiple submitters, no conflicts (2 of 4 stars). 3 submissions from 3 submitters: Likely benign (3). Last evaluated 2025-11-05.

Conditions:
TRPV4-related disorder. Also called: TRPV4-related disorders; TRPV4-related condition.
Charcot-Marie-Tooth disease axonal type 2C (HMSN2C). Also called: CHARCOT-MARIE-TOOTH DISEASE, AXONAL, AUTOSOMAL DOMINANT, TYPE 2C; Charcot-Marie-Tooth Neuropathy Type 2C; Charcot-Marie-Tooth Disease Type 2, TRPV4-Related (CMT2C). Identifiers: Orphanet 99937, MedGen C1853710, MONDO:0011633, OMIM 606071.

Allele frequency attached by ClinVar (database versions not stated): TOPMed below 0.00001; ExAC 0.00002; gnomAD exomes 0.00003.
gnomAD v4.1: 39 of 1,614,190 alleles (0.0024%); highest among the groups gnomAD compares: Non-Finnish European, 0.003%; no homozygotes.

Submissions (3):

PreventionGenetics, part of Exact Sciences
Classification: Likely benign for TRPV4-related condition. Last evaluated: 2025-11-05. Review status: criteria provided, single submitter. Criteria: ACMG Guidelines, 2015. Collection method: clinical testing. Allele origin: germline.
Comment: This variant is classified as likely benign based on ACMG/AMP sequence variant interpretation guidelines (Richards et al. 2015 PMID: 25741868, with internal and published modifications).

Labcorp Genetics (formerly Invitae), Labcorp
Classification: Likely benign for Charcot-Marie-Tooth disease axonal type 2C. Last evaluated: 2024-06-06. Review status: criteria provided, single submitter. Criteria: Invitae Variant Classification Sherloc (09022015). Collection method: clinical testing. Allele origin: germline.

CeGaT Center for Human Genetics Tuebingen
Classification: Likely benign. Last evaluated: 2024-01-01. Review status: criteria provided, single submitter. Criteria: CeGaT Center For Human Genetics Tuebingen Variant Classification Criteria Version 2. Collection method: clinical testing. Allele origin: germline. Affected: yes. Observed: 1 variant allele.
Comment: TRPV4: BP4, BP7